The following is an entry in ClinVar:

ClinVar aggregate classification (germline): Uncertain significance (1 of 4 stars; one submission).

Conditions:
Imerslund-Grasbeck syndrome. Also called: ENTEROCYTE COBALAMIN MALABSORPTION; ENTEROCYTE INTRINSIC FACTOR RECEPTOR, DEFECT OF; PERNICIOUS ANEMIA, JUVENILE, DUE TO SELECTIVE INTESTINAL MALABSORPTION OF VITAMIN B12, WITH PROTEINURIA; Imerslund-Gräsbeck syndrome; Megaloblastic anemia due to inborn errors of metabolism. Identifiers: Orphanet 35858, MedGen C4551825, MONDO:0009853.

Allele frequency attached by ClinVar (database versions not stated): gnomAD 0.00001; TOPMed 0.00002; gnomAD exomes 0.00004.
gnomAD v4.1: 66 of 1,613,302 alleles (0.0041%); highest among the groups gnomAD compares: Non-Finnish European, 0.005%; no homozygotes.

Submission:

Labcorp Genetics (formerly Invitae), Labcorp
Classification: Uncertain significance for Imerslund-Grasbeck syndrome. Last evaluated: 2024-01-31. Review status: criteria provided, single submitter. Criteria: Invitae Variant Classification Sherloc (09022015). Collection method: clinical testing. Allele origin: germline.
Comment: This sequence change replaces threonine, which is neutral and polar, with isoleucine, which is neutral and non-polar, at codon 1626 of the CUBN protein (p.Thr1626Ile). This variant is present in population databases (no rsID available, gnomAD 0.007%). This variant has not been reported in the literature in individuals affected with CUBN-related conditions. Advanced modeling of protein sequence and biophysical properties (such as structural, functional, and spatial information, amino acid conservation, physicochemical variation, residue mobility, and thermodynamic stability) performed at Invitae indicates that this missense variant is not expected to disrupt CUBN protein function with a negative predictive value of 80%. In summary, the available evidence is currently insufficient to determine the role of this variant in disease. Therefore, it has been classified as a Variant of Uncertain Significance.

NM_001081.4(CUBN):c.4877C>T (p.Thr1626Ile)

Gene: CUBN (cubilin; minus strand). Cytogenetic location: 10p13.
Variant type: single nucleotide variant.
Coding change: c.4877C>T on transcript NM_001081.4 (MANE Select); coding-DNA position 4877, C replaced by T.
Protein change: p.Thr1626Ile; replaces threonine 1626 with isoleucine.
Molecular consequence: missense variant.
Genome position (GRCh38, 1-based): chr10:16,952,368, G>A on the plus strand (C>T on the coding strand, the complement: CUBN is on the minus strand). VCF-style: chr10-16952368-G-A. GRCh37 (hg19) VCF-style: chr10-16994367-G-A.
Other names: short protein forms T1626I.
Identifiers: ClinVar variation 2896525 (VCV002896525.3), dbSNP rs1367160123, ClinGen allele CA376162879.